The following is an entry in ClinVar:

ClinVar aggregate classification (germline): Pathogenic (1 of 4 stars; one submission).

Submission:

GeneDx
Classification: Pathogenic. Last evaluated: 2026-10-09. Review status: criteria provided, single submitter. Criteria: GeneDx Variant Classification Process June 2021. Collection method: clinical testing. Allele origin: germline.
Comment: Nonsense variant predicted to result in protein truncation or nonsense mediated decay in a gene for which loss of function is a known mechanism of disease; Not observed at significant frequency in large population cohorts (gnomAD); Has not been previously published as pathogenic or benign to our knowledge

NM_001005273.3(CHD3):c.154C>T (p.Arg52Ter)

Gene: CHD3 (chromodomain helicase DNA binding protein 3; plus strand). Cytogenetic location: 17p13.1.
Variant type: single nucleotide variant.
Coding change: c.154C>T on transcript NM_001005273.3 (MANE Select); coding-DNA position 154, C replaced by T.
Protein change: p.Arg52Ter; replaces arginine 52 with a stop codon.
Molecular consequence: nonsense.
Genome position (GRCh38, 1-based): chr17:7,889,717, C>T. VCF-style: chr17-7889717-C-T. GRCh37 (hg19) VCF-style: chr17-7793035-C-T.
Other names: c.331C>T, p.Arg111Ter (NM_001005271.3); c.154C>T, p.Arg52Ter (NM_005852.4); short protein forms R111*, R52*.
Identifiers: ClinVar variation 3907777 (VCV003907777.2).